The following is an entry in ClinVar:

NM_006767.4(LZTR1):c.1084C>G (p.Arg362Gly)

Gene: LZTR1 (leucine zipper like post translational regulator 1; plus strand). Cytogenetic location: 22q11.21.
Variant type: single nucleotide variant.
Coding change: c.1084C>G on transcript NM_006767.4 (MANE Select); coding-DNA position 1084, C replaced by G.
Protein change: p.Arg362Gly; replaces arginine 362 with glycine.
Molecular consequence: missense variant.
Genome position (GRCh38, 1-based): chr22:20,992,304, C>G. VCF-style: chr22-20992304-C-G. GRCh37 (hg19) VCF-style: chr22-21346593-C-G.
Other names: short protein forms R362G.
Identifiers: ClinVar variation 4615672 (VCV004615672.1).

ClinVar aggregate classification (germline): Uncertain significance (1 of 4 stars; one submission).

Conditions:
Cardiovascular phenotype. Identifiers: MedGen CN230736.
Hereditary cancer-predisposing syndrome. Also called: Neoplastic Syndromes, Hereditary; Tumor predisposition; Hereditary Cancer Syndrome; Hereditary neoplastic syndrome. Identifiers: Orphanet 140162, MedGen C0027672, MeSH D009386, MONDO:0015356.

Submission:

Ambry Genetics
Classification: Uncertain significance for Cardiovascular phenotype; Hereditary cancer-predisposing syndrome. Last evaluated: 2025-11-25. Review status: criteria provided, single submitter. Criteria: Ambry Variant Classification Scheme 2023. Collection method: clinical testing. Allele origin: germline.
Comment: The p.R362G variant (also known as c.1084C>G), located in coding exon 10 of the LZTR1 gene, results from a C to G substitution at nucleotide position 1084. The arginine at codon 362 is replaced by glycine, an amino acid with dissimilar properties. This amino acid position is highly conserved in available vertebrate species. In addition, the in silico prediction for this alteration is inconclusive. Based on the available evidence, the clinical significance of this variant remains unclear.